The following is an entry in ClinVar:

NM_001035.3(RYR2):c.774-299AC[6]

Gene: RYR2 (ryanodine receptor 2; plus strand). Cytogenetic location: 1q43.
Variant type: Microsatellite.
Coding change: c.774-299AC[6] on transcript NM_001035.3 (MANE Select); six copies in a row of the 2-base unit AC starting at c.774-299.
Molecular consequence: intron variant.
Genome position: GRCh38 VCF-style: chr1-237416749-AAC-A. GRCh37 (hg19) VCF-style: chr1-237580049-AAC-A.
Identifiers: ClinVar variation 673338 (VCV000673338.1), dbSNP rs71180024, ClinGen allele CA39785875.

ClinVar aggregate classification (germline): Benign (1 of 4 stars; one submission).

Submission:

GeneDx
Classification: Benign. Last evaluated: 2018-06-15. Review status: criteria provided, single submitter. Criteria: GeneDx Variant Classification (06012015). Collection method: clinical testing. Allele origin: germline. Affected: yes.
Comment: This variant is considered likely benign or benign based on one or more of the following criteria: it is a conservative change, it occurs at a poorly conserved position in the protein, it is predicted to be benign by multiple in silico algorithms, and/or has population frequency not consistent with disease.